The following is an entry in ClinVar:

ClinVar aggregate classification (germline): Benign. Review status: criteria provided, multiple submitters, no conflicts (2 of 4 stars). 3 submissions from 3 submitters: Benign (3). Last evaluated 2024-07-15.

Allele frequency attached by ClinVar (database versions not stated): 1000 Genomes Project 30x 0.12695; 1000 Genomes Project 0.13159; TOPMed 0.16202; gnomAD 0.17512 and 0.17628; gnomAD exomes 0.22019.
gnomAD v4.1: 344,745 of 1,598,690 alleles (22%); highest among the groups gnomAD compares: Non-Finnish European, 23%; 39,449 homozygotes.

Submissions (3):

Unidad de Genómica Garrahan, Hospital de Pediatría Garrahan
Classification: Benign. Last evaluated: 2024-07-15. Review status: criteria provided, single submitter. Criteria: ACMG Guidelines, 2015. Collection method: clinical testing. Allele origin: germline. Affected: no. Observed: 27 variant alleles.
Comment: This variant is classified as Benign based on local population frequency. This variant was detected in 29% of patients studied in a panel designed for Epileptic and Developmental Encephalopathy and Progressive Myoclonus Epilepsy. Number of patients: 27. Only high quality variants are reported.

GeneDx
Classification: Benign. Last evaluated: 2018-06-23. Review status: criteria provided, single submitter. Criteria: GeneDx Variant Classification Process June 2021. Collection method: clinical testing. Allele origin: germline. Affected: yes.

Breakthrough Genomics
Classification: Benign. Review status: criteria provided, single submitter. Criteria: ACMG Guidelines, 2015. Collection method: not provided. Allele origin: germline. Inheritance: Autosomal dominant inheritance. Affected: yes.

NM_022489.4(INF2):c.668-90G>A

Gene: INF2 (inverted formin 2; plus strand). Cytogenetic location: 14q32.33.
Variant type: single nucleotide variant.
Coding change: c.668-90G>A on transcript NM_022489.4 (MANE Select); 90 bases into the intron before coding-DNA position 668, G replaced by A.
Molecular consequence: intron variant.
Genome position (GRCh38, 1-based): chr14:104,703,826, G>A. VCF-style: chr14-104703826-G-A. GRCh37 (hg19) VCF-style: chr14-105170163-G-A.
Other names: c.668-90G>A (NM_001031714.4, NM_032714.3).
Identifiers: ClinVar variation 1257979 (VCV001257979.5), dbSNP rs7145815, ClinGen allele CA13972625.